The following is an entry in ClinVar:

NM_001165963.4(SCN1A):c.4942C>T (p.Arg1648Cys)

Genes: SCN1A (sodium voltage-gated channel alpha subunit 1; minus strand), LOC102724058 (uncharacterized LOC102724058; plus strand). Cytogenetic location: 2q24.3.
Variant type: single nucleotide variant.
Coding change: c.4942C>T on transcript NM_001165963.4 (MANE Select); coding-DNA position 4942, C replaced by T.
Protein change: p.Arg1648Cys; replaces arginine 1648 with cysteine.
Molecular consequence: missense variant. On other transcripts: non-coding transcript variant (1).
Genome position (GRCh38, 1-based): chr2:165,992,333, G>A on the plus strand (C>T on the coding strand, the complement: SCN1A is on the minus strand). VCF-style: chr2-165992333-G-A. GRCh37 (hg19) VCF-style: chr2-166848843-G-A.
Other names: c.4858C>T, p.Arg1620Cys (NM_001165964.3, NM_001353957.2, NM_001353958.2); c.4942C>T, p.Arg1648Cys (NM_001202435.3, NM_001353948.2); c.4909C>T, p.Arg1637Cys (NM_001353949.2, NM_001353950.2, NM_001353951.2 and 2 more transcripts); c.4906C>T, p.Arg1636Cys (NM_001353954.2, NM_001353955.2); c.4855C>T, p.Arg1619Cys (NM_001353960.2); c.2500C>T, p.Arg834Cys (NM_001353961.2); short protein forms R1637C, R1648C, R834C, R1619C, R1620C, R1636C.
Identifiers: ClinVar variation 68641 (VCV000068641.15), dbSNP rs121918791, ClinGen allele CA285189.

ClinVar aggregate classification (germline): Pathogenic/Likely pathogenic. Review status: criteria provided, multiple submitters, no conflicts (2 of 4 stars). 6 submissions from 6 submitters: Pathogenic (4); Likely pathogenic (1). 1 of the submissions does not count toward it. Last evaluated 2025-10-01.

Conditions:
Early-infantile DEE. Also called: Ohtahara syndrome; Early infantile epileptic encephalopathy with suppression bursts; Early infantile epileptic encephalopathy. Identifiers: Orphanet 1934, MedGen C0393706, MONDO:0800491.
SCN1A-related disorder. Also called: SCN1A-related disorders; SCN1A-related conditions; SCN1A-related condition.
Severe myoclonic epilepsy in infancy (DRVT). Also called: DEVELOPMENTAL AND EPILEPTIC ENCEPHALOPATHY 6A; Severe Myoclonic Epilepsy in Infancy (SMEI); Epileptic encephalopathy, early infantile, 6 (Dravet syndrome); SEVERE MYOCLONIC EPILEPSY OF INFANCY; Dravet syndrome. Identifiers: Orphanet 33069, MedGen C0751122, MONDO:0100135, OMIM 607208.

Allele frequency attached by ClinVar (database versions not stated): gnomAD exomes below 0.00001.
gnomAD v4.1: 1 of 1,613,718 alleles (0.000062%); highest among the groups gnomAD compares: South Asian, 0.0011%; no homozygotes.

Submissions (7):

CeGaT Center for Human Genetics Tuebingen
Classification: Pathogenic. Last evaluated: 2025-10-01. Review status: criteria provided, single submitter. Criteria: CeGaT Center For Human Genetics Tuebingen Variant Classification Criteria Version 2. Collection method: clinical testing. Allele origin: germline. Affected: yes. Observed: 1 variant allele.
Comment: SCN1A: PS4, PM2, PM5, PS2:Moderate, PP2, PP3, PS3:Supporting

Labcorp Genetics (formerly Invitae), Labcorp
Classification: Pathogenic for Early-infantile DEE. Last evaluated: 2025-08-09. Review status: criteria provided, single submitter. Criteria: Invitae Variant Classification Sherloc (09022015). Collection method: clinical testing. Allele origin: germline.
Comment: This sequence change replaces arginine, which is basic and polar, with cysteine, which is neutral and slightly polar, at codon 1648 of the SCN1A protein (p.Arg1648Cys). This variant is not present in population databases (gnomAD no frequency). This missense change has been observed in individual(s) with severe myoclonic epilepsy in infancy (PMID: 12083760). This variant is also known as C4912T (p.R1638C). ClinVar contains an entry for this variant (Variation ID: 68641). Invitae Evidence Modeling of protein sequence and biophysical properties (such as structural, functional, and spatial information, amino acid conservation, physicochemical variation, residue mobility, and thermodynamic stability) indicates that this missense variant is expected to disrupt SCN1A protein function with a positive predictive value of 95%. Experimental studies have shown that this missense change affects SCN1A function (PMID: 15263074, 23086956). This variant disrupts the p.Arg1648 amino acid residue in SCN1A. Other variant(s) that disrupt this residue have been determined to be pathogenic (PMID: 10742094, 20522430). This suggests that this residue is clinically significant, and that variants that disrupt this residue are likely to be disease-causing. For these reasons, this variant has been classified as Pathogenic.

GeneDx
Classification: Pathogenic. Last evaluated: 2022-12-06. Review status: criteria provided, single submitter. Criteria: GeneDx Variant Classification Process June 2021. Collection method: clinical testing. Allele origin: germline. Affected: yes.
Comment: Observed in multiple unrelated patients with infantile-onset epilepsy referred for genetic testing at GeneDx and in published literature (Ohmori et al., 2002); Published functional studies demonstrate a damaging effect as this variant alters the closing and extended opening of sodium channels, impairing normal channel function and subsequent neuron firing (Rhodes et al., 2004; Thompson et al., 2012); Additional functional studies in a drosophila model demonstrate that R1648C exhibits spontaneous and temperature-sensitive seizure activity, recapitulating the disease state (Roemmich et al., 2021); Missense variants in this gene are often considered pathogenic (HGMD); Not observed at significant frequency in large population cohorts (gnomAD); In silico analysis supports that this missense variant has a deleterious effect on protein structure/function; This variant is associated with the following publications: (PMID: 31069529, 11567038, 25378155, 10742094, 31625145, Nisevic_2015_Review, 33236643, 30735520, 20735403, Giunti_2019_Abstract, 31782251, 31879226, 17054685, 32581296, 30038559, 22701429, 26544041, 15263074, 23086956, 18275929, 29573403, 32090326, 12083760, 34475263)

Blueprint Genetics
Classification: Likely pathogenic for SCN1A-related disorders. Last evaluated: 2017-12-07. Review status: criteria provided, single submitter. Criteria: ACMG Guidelines, 2015. Collection method: clinical testing. Allele origin: germline. Affected: yes. Observed: 1 variant allele.

Athena Diagnostics
Classification: Pathogenic for Severe myoclonic epilepsy in infancy. Last evaluated: 2014-11-25. Review status: criteria provided, single submitter. Criteria: Athena Diagnostics Criteria. Collection method: clinical testing. Allele origin: germline. Inheritance: Autosomal dominant inheritance.

Channelopathy-Associated Epilepsy Research Center
No classification provided (evidence only). Condition: Severe myoclonic epilepsy in infancy. Review status: no classification provided. Collection method: literature only. Allele origin: not applicable. Functional consequence: Severe increase in persistent current, Normal peak current, Increase in slope of slow inactivation, Mild depolarizing shift of voltage dependence of activation, Increase in slope of activation, Mild hyperpolarizing shift of voltage dependence of fast inactivation, Increase in slope of fast inactivation, Acceleration of recovery from fast inactivation, Normal entry into slow inactivation, Normal voltage dependence of slow inactivation, Normal recovery from slow inactivation, Overall mixed or unclear functional effect with respect to biophysical channel activity. Not counted in ClinVar's aggregate classification.
ClinVar note: "not provided" was previously submitted as the classification for the variant. However, the classification appeared to be based only on an observation of functional data so it was converted to no classification on 2025-07-30.

UniProtKB/Swiss-Prot
No classification provided. Condition: Severe myoclonic epilepsy in infancy. Review status: no classification provided. Collection method: not provided. Allele origin: not provided. Not counted in ClinVar's aggregate classification.

Literature cited by the submitters: PubMed 12083760 (cited by Labcorp Genetics (formerly Invitae), Labcorp and Athena Diagnostics); PubMed 15263074 (cited by 3 submitters); PubMed 23086956 (cited by Labcorp Genetics (formerly Invitae), Labcorp and Athena Diagnostics); PubMed 10742094 (cited by Labcorp Genetics (formerly Invitae), Labcorp); PubMed 20522430 (cited by Labcorp Genetics (formerly Invitae), Labcorp).